The following is an entry in ClinVar:

ClinVar aggregate classification (germline): Uncertain significance (1 of 4 stars; one submission).

Conditions:
Epilepsy, familial adult myoclonic, 5 (EPEO5). Also called: CORTICAL MYOCLONIC TREMOR WITH EPILEPSY, FAMILIAL, 5. Identifiers: Orphanet 86814, MedGen C3809374, MONDO:0014167, OMIM 615400.

Allele frequency attached by ClinVar (database versions not stated): ESP Exome Variant Server 0.00008.

Submission:

Labcorp Genetics (formerly Invitae), Labcorp
Classification: Uncertain significance for Epilepsy, familial adult myoclonic, 5. Last evaluated: 2022-04-08. Review status: criteria provided, single submitter. Criteria: Invitae Variant Classification Sherloc (09022015). Collection method: clinical testing. Allele origin: germline.
Comment: This sequence change falls in intron 8 of the CNTN2 gene. It does not directly change the encoded amino acid sequence of the CNTN2 protein. This variant is not present in population databases (gnomAD no frequency). This variant has not been reported in the literature in individuals affected with CNTN2-related conditions. Algorithms developed to predict the effect of sequence changes on RNA splicing suggest that this variant may disrupt the consensus splice site. In summary, the available evidence is currently insufficient to determine the role of this variant in disease. Therefore, it has been classified as a Variant of Uncertain Significance.

NM_005076.5(CNTN2):c.974-12G>A

Gene: CNTN2 (contactin 2; plus strand). Cytogenetic location: 1q32.1.
Variant type: single nucleotide variant.
Coding change: c.974-12G>A on transcript NM_005076.5 (MANE Select); 12 bases into the intron before coding-DNA position 974, G replaced by A.
Molecular consequence: intron variant.
Genome position (GRCh38, 1-based): chr1:205,061,853, G>A. VCF-style: chr1-205061853-G-A. GRCh37 (hg19) VCF-style: chr1-205030981-G-A.
Other names: c.974-12G>A (NM_001346083.2).
Identifiers: ClinVar variation 1440827 (VCV001440827.6), dbSNP rs201080048, ClinGen allele CA36430553.